The following is an entry in ClinVar:

ClinVar aggregate classification (germline): Likely benign. Review status: criteria provided, multiple submitters, no conflicts (2 of 4 stars). 3 submissions from 3 submitters: Likely benign (2). 1 of the submissions does not count toward it. Last evaluated 2026-01-28.

Conditions:
LMF1-related disorder. Also called: LMF1-related condition.
Cardiovascular phenotype. Identifiers: MedGen CN230736.

Allele frequency attached by ClinVar (database versions not stated): ExAC 0.00017; gnomAD 0.00009; TOPMed 0.00012.
gnomAD v4.1: 175 of 1,613,190 alleles (0.011%); highest among the groups gnomAD compares: East Asian, 0.1%; no homozygotes.

Submissions (3):

Labcorp Genetics (formerly Invitae), Labcorp
Classification: Likely benign. Last evaluated: 2026-01-28. Review status: criteria provided, single submitter. Criteria: Invitae Variant Classification Sherloc (09022015). Collection method: clinical testing. Allele origin: germline.

Ambry Genetics
Classification: Likely benign for Cardiovascular phenotype. Last evaluated: 2019-05-19. Review status: criteria provided, single submitter. Criteria: Ambry Variant Classification Scheme 2023. Collection method: clinical testing. Allele origin: germline.

PreventionGenetics, part of Exact Sciences
Classification: Likely benign for LMF1-related condition. Last evaluated: 2021-08-09. Review status: no assertion criteria provided. Collection method: clinical testing. Allele origin: germline. Not counted in ClinVar's aggregate classification.
Comment: This variant is classified as likely benign based on ACMG/AMP sequence variant interpretation guidelines (Richards et al. 2015 PMID: 25741868, with internal and published modifications).

NM_022773.4(LMF1):c.1317C>T (p.Tyr439=)

Gene: LMF1 (lipase maturation factor 1; minus strand). Cytogenetic location: 16p13.3.
Variant type: single nucleotide variant.
Coding change: c.1317C>T on transcript NM_022773.4 (MANE Select); coding-DNA position 1317, C replaced by T.
Protein change: p.Tyr439=; no amino-acid change (tyrosine 439 retained).
Molecular consequence: synonymous variant. On other transcripts: non-coding transcript variant (1).
Genome position (GRCh38, 1-based): chr16:869,982, G>A on the plus strand (C>T on the coding strand, the complement: LMF1 is on the minus strand). VCF-style: chr16-869982-G-A. GRCh37 (hg19) VCF-style: chr16-919982-G-A.
Other names: c.666C>T, p.Tyr222= (NM_001352017.2, NM_001352021.2); c.918C>T, p.Tyr306= (NM_001352018.2); c.990C>T, p.Tyr330= (NM_001352019.2); c.1317C>T, p.Tyr439= (NM_001352020.1).
Identifiers: ClinVar variation 1769812 (VCV001769812.7), dbSNP rs121909397, ClinGen allele CA7797069.
Genomic context (GRCh38, chr16:869,982, plus strand): 5'-GTGGTACGGGGAGATGAGGCAGGGCCGTCTGCTGGGGTCACCTGGCTTGCACTTGAACTC[G>A]TAGTCCTCCCACATGGCATCGGGGGCGCTGGCGTTGGAGCTGGCTGTGCCCTGCAGGATC-3'
Protein context (NP_073610.2, residues 429-449): ASAPDAMWED[Tyr439=]EFKCKPGDPS